The following is an entry in ClinVar:

ClinVar aggregate classification (germline): Likely benign. Review status: criteria provided, multiple submitters, no conflicts (2 of 4 stars). 3 submissions from 3 submitters: Likely benign (3). Last evaluated 2026-07-02.

Conditions:
RHO-related disorder. Also called: RHO-related condition.

gnomAD v4.1: 19 of 1,613,472 alleles (0.0012%); highest among the groups gnomAD compares: African/African-American, 0.019%; no homozygotes.

Submissions (3):

PreventionGenetics, part of Exact Sciences
Classification: Likely benign for RHO-related condition. Last evaluated: 2026-07-02. Review status: criteria provided, single submitter. Criteria: ACMG Guidelines, 2015. Collection method: clinical testing. Allele origin: germline.
Comment: This variant is classified as likely benign based on ACMG/AMP sequence variant interpretation guidelines (Richards et al. 2015 PMID: 25741868, with internal and published modifications).

Labcorp Genetics (formerly Invitae), Labcorp
Classification: Likely benign. Last evaluated: 2024-08-17. Review status: criteria provided, single submitter. Criteria: Invitae Variant Classification Sherloc (09022015). Collection method: clinical testing. Allele origin: germline.

Blueprint Genetics
Classification: Likely benign. Last evaluated: 2022-07-10. Review status: criteria provided, single submitter. Criteria: ACMG Guidelines, 2015. Collection method: clinical testing. Allele origin: germline.

NM_000539.3(RHO):c.696+9C>A

Gene: RHO (rhodopsin; plus strand). Cytogenetic location: 3q22.1.
Variant type: single nucleotide variant.
Coding change: c.696+9C>A on transcript NM_000539.3 (MANE Select); 9 bases into the intron after coding-DNA position 696, C replaced by A.
Molecular consequence: intron variant.
Genome position (GRCh38, 1-based): chr3:129,532,425, C>A. VCF-style: chr3-129532425-C-A. GRCh37 (hg19) VCF-style: chr3-129251268-C-A.
Identifiers: ClinVar variation 3701284 (VCV003701284.4).